The following is an entry in ClinVar:

NM_000404.4(GLB1):c.76-4520G>A

Gene: GLB1 (galactosidase beta 1; minus strand). Cytogenetic location: 3p22.3.
Variant type: single nucleotide variant.
Coding change: c.76-4520G>A on transcript NM_000404.4 (MANE Select); 4520 bases into the intron before coding-DNA position 76, G replaced by A.
Molecular consequence: intron variant. On other transcripts: missense variant (1).
Genome position (GRCh38, 1-based): chr3:33,077,233, C>T on the plus strand (G>A on the coding strand, the complement: GLB1 is on the minus strand). VCF-style: chr3-33077233-C-T. GRCh37 (hg19) VCF-style: chr3-33118725-C-T.
Other names: c.80G>A, p.Arg27Gln (NM_001317040.2); c.76-4520G>A (NM_001393580.1, NM_001135602.3); c.-15-4520G>A (NM_001079811.3); short protein forms R27Q.
Identifiers: ClinVar variation 3050297 (VCV003050297.3), dbSNP rs9865232, ClinGen allele CA2299824.

ClinVar aggregate classification (germline): Likely benign. Review status: criteria provided, single submitter (1 of 4 stars). 2 submissions from 2 submitters: Likely benign (1). 1 of the submissions does not count toward it. Last evaluated 2024-11-26.

Conditions:
GLB1-related disorder. Also called: GLB1-related disorders. Identifiers: MedGen CN377807.

Allele frequency attached by ClinVar (database versions not stated): ExAC 0.00222; 1000 Genomes Project 30x 0.00328; 1000 Genomes Project 0.00339.
gnomAD v4.1: 952 of 1,549,430 alleles (0.061%); highest among the groups gnomAD compares: African/African-American, 0.99%; 6 homozygotes.

Submissions (2):

Blueprint Genetics
Classification: Likely benign. Last evaluated: 2024-11-26. Review status: criteria provided, single submitter. Criteria: ACMG Guidelines, 2015. Collection method: clinical testing. Allele origin: germline.

PreventionGenetics, part of Exact Sciences
Classification: Benign for GLB1-related condition. Last evaluated: 2019-11-06. Review status: no assertion criteria provided. Collection method: clinical testing. Allele origin: germline. Not counted in ClinVar's aggregate classification.
Comment: This variant is classified as benign based on ACMG/AMP sequence variant interpretation guidelines (Richards et al. 2015 PMID: 25741868, with internal and published modifications).